The following is an entry in ClinVar:

NM_019109.5(ALG1):c.1193A>G (p.His398Arg)

Gene: ALG1 (ALG1 chitobiosyldiphosphodolichol beta-mannosyltransferase; plus strand). Cytogenetic location: 16p13.3.
Variant type: single nucleotide variant.
Coding change: c.1193A>G on transcript NM_019109.5 (MANE Select); coding-DNA position 1193, A replaced by G.
Protein change: p.His398Arg; replaces histidine 398 with arginine.
Molecular consequence: missense variant.
Genome position (GRCh38, 1-based): chr16:5,083,687, A>G. VCF-style: chr16-5083687-A-G. GRCh37 (hg19) VCF-style: chr16-5133688-A-G.
Other names: c.860A>G, p.His287Arg (NM_001330504.2); short protein forms H398R, H287R.
Identifiers: ClinVar variation 1348635 (VCV001348635.6), dbSNP rs1292094188, ClinGen allele CA394674531.

ClinVar aggregate classification (germline): Uncertain significance. Review status: criteria provided, multiple submitters, no conflicts (2 of 4 stars). 2 submissions from 2 submitters: Uncertain significance (2). Last evaluated 2024-02-07.

Conditions:
ALG1-congenital disorder of glycosylation. Also called: CONGENITAL DISORDER OF GLYCOSYLATION, TYPE Ik; ALG1-CDG; CDG Ik. Identifiers: Orphanet 79327, MedGen C2931005, MONDO:0012052, OMIM 608540.

Allele frequency attached by ClinVar (database versions not stated): gnomAD exomes below 0.00001.
gnomAD v4.1: 11 of 1,600,804 alleles (0.00069%); highest among the groups gnomAD compares: South Asian, 0.0011%; no homozygotes.

Submissions (2):

Fulgent Genetics
Classification: Uncertain significance for ALG1-congenital disorder of glycosylation. Last evaluated: 2024-02-07. Review status: criteria provided, single submitter. Criteria: ACMG Guidelines, 2015. Collection method: clinical testing. Allele origin: germline.

Labcorp Genetics (formerly Invitae), Labcorp
Classification: Uncertain significance for ALG1-congenital disorder of glycosylation. Last evaluated: 2022-06-14. Review status: criteria provided, single submitter. Criteria: Invitae Variant Classification Sherloc (09022015). Collection method: clinical testing. Allele origin: germline.
Comment: This sequence change replaces histidine, which is basic and polar, with arginine, which is basic and polar, at codon 398 of the ALG1 protein (p.His398Arg). This variant is present in population databases (no rsID available, gnomAD 0.003%). This variant has not been reported in the literature in individuals affected with ALG1-related conditions. Advanced modeling of protein sequence and biophysical properties (such as structural, functional, and spatial information, amino acid conservation, physicochemical variation, residue mobility, and thermodynamic stability) performed at Invitae indicates that this missense variant is expected to disrupt ALG1 protein function. Algorithms developed to predict the effect of sequence changes on RNA splicing suggest that this variant may create or strengthen a splice site. In summary, the available evidence is currently insufficient to determine the role of this variant in disease. Therefore, it has been classified as a Variant of Uncertain Significance.